The following is an entry in ClinVar:

ClinVar aggregate classification (germline): Uncertain significance. Review status: criteria provided, multiple submitters, no conflicts (2 of 4 stars). 3 submissions from 3 submitters: Uncertain significance (3). Last evaluated 2026-03-19.

Allele frequency attached by ClinVar (database versions not stated): gnomAD 0.00010; TOPMed 0.00011.
gnomAD v4.1: 136 of 1,550,336 alleles (0.0088%); highest among the groups gnomAD compares: Non-Finnish European, 0.01%; no homozygotes.

Submissions (3):

GeneDx
Classification: Uncertain significance. Last evaluated: 2026-03-19. Review status: criteria provided, single submitter. Criteria: GeneDx Variant Classification Process June 2021. Collection method: clinical testing. Allele origin: germline.
Comment: In silico analysis suggests that this missense variant does not alter protein structure/function; Has not been previously published as pathogenic or benign to our knowledge

Blueprint Genetics
Classification: Uncertain significance. Last evaluated: 2024-11-27. Review status: criteria provided, single submitter. Criteria: ACMG Guidelines, 2015. Collection method: clinical testing. Allele origin: germline.

Labcorp Genetics (formerly Invitae), Labcorp
Classification: Uncertain significance. Last evaluated: 2022-07-26. Review status: criteria provided, single submitter. Criteria: Invitae Variant Classification Sherloc (09022015). Collection method: clinical testing. Allele origin: germline.
Comment: This sequence change replaces aspartic acid, which is acidic and polar, with asparagine, which is neutral and polar, at codon 700 of the OTOG protein (p.Asp700Asn). This variant is present in population databases (no rsID available, gnomAD 0.02%). This variant has not been reported in the literature in individuals affected with OTOG-related conditions. Algorithms developed to predict the effect of missense changes on protein structure and function are either unavailable or do not agree on the potential impact of this missense change (SIFT: "Tolerated"; PolyPhen-2: "Possibly Damaging"; Align-GVGD: "Class C0"). In summary, the available evidence is currently insufficient to determine the role of this variant in disease. Therefore, it has been classified as a Variant of Uncertain Significance.

NM_001292063.2(OTOG):c.2062G>A (p.Asp688Asn)

Gene: OTOG (otogelin; plus strand). Cytogenetic location: 11p15.1.
Variant type: single nucleotide variant.
Coding change: c.2062G>A on transcript NM_001292063.2 (MANE Select); coding-DNA position 2062, G replaced by A.
Protein change: p.Asp688Asn; replaces aspartic acid 688 with asparagine.
Molecular consequence: missense variant.
Genome position (GRCh38, 1-based): chr11:17,572,186, G>A. VCF-style: chr11-17572186-G-A. GRCh37 (hg19) VCF-style: chr11-17593733-G-A.
Other names: c.2098G>A (NM_001277269.1); c.2098G>A, p.Asp700Asn (NM_001277269.2); short protein forms D688N, D700N.
Identifiers: ClinVar variation 2065242 (VCV002065242.4), dbSNP rs1015871268, ClinGen allele CA218451146.
Genomic context (GRCh38, chr11:17,572,186, plus strand): 5'-TCCTGGAAAACACTTTCTGCTTGCTCCCCGCTGGTCTCTGGCTCCCCTCTGGACCCCTGC[G>A]ATGTGCACCTGCAAGCCGGTGAGTTGGTGGGGGAAGAGGAGAGGCATGGTTGAGTGGGGT-3'
Protein context (NP_001278992.1, residues 678-698): LVSGSPLDPC[Asp688Asn]VHLQAASYSV